The following is an entry in ClinVar:

NM_000090.4(COL3A1):c.3478A>G (p.Ile1160Val)

Gene: COL3A1 (collagen type III alpha 1 chain; plus strand). Cytogenetic location: 2q32.2.
Variant type: single nucleotide variant.
Coding change: c.3478A>G on transcript NM_000090.4 (MANE Select); coding-DNA position 3478, A replaced by G.
Protein change: p.Ile1160Val; replaces isoleucine 1160 with valine.
Molecular consequence: missense variant.
Genome position (GRCh38, 1-based): chr2:189,008,095, A>G. VCF-style: chr2-189008095-A-G. GRCh37 (hg19) VCF-style: chr2-189872821-A-G.
Other names: short protein forms I1160V.
Identifiers: ClinVar variation 927233 (VCV000927233.3), dbSNP rs1688636735, ClinGen allele CA349846484.

ClinVar aggregate classification (germline): Uncertain significance (1 of 4 stars; one submission).

Conditions:
Familial thoracic aortic aneurysm and aortic dissection (TAAD). Also called: Thoracic aortic aneurysms and dissections. Identifiers: Orphanet 91387, MedGen C4707243, MONDO:0019625.

Submission:

Color Diagnostics, LLC DBA Color Health
Classification: Uncertain significance for Familial thoracic aortic aneurysm and aortic dissection. Last evaluated: 2019-09-27. Review status: criteria provided, single submitter. Criteria: ACMG Guidelines, 2015. Collection method: clinical testing. Allele origin: germline.
Comment: This missense variant replaces isoleucine with valine at codon 1160 of the COL3A1 protein. Computational prediction suggests that this variant may not impact protein structure and function (internally defined REVEL score threshold <= 0.5, PMID: 27666373). Splice site prediction tools suggest that this variant may not impact RNA splicing. To our knowledge, functional studies have not been performed for this variant. This variant has not been reported in individuals affected with cardiovascular disorders in the literature. This variant has not been identified in the general population by the Genome Aggregation Database (gnomAD). The available evidence is insufficient to determine the role of this variant in disease conclusively. Therefore, this variant is classified as a Variant of Uncertain Significance.